The following is an entry in ClinVar:

ClinVar aggregate classification (germline): Uncertain significance (0 of 4 stars; one submission).

Conditions:
RBFOX1-related disorder. Also called: RBFOX1-related condition.

gnomAD v4.1: 1 of 1,613,582 alleles (0.000062%); highest among the groups gnomAD compares: Non-Finnish European, 0.000085%; no homozygotes.

Submission:

PreventionGenetics, part of Exact Sciences
Classification: Uncertain significance for RBFOX1-related condition. Last evaluated: 2024-07-24. Review status: no assertion criteria provided. Collection method: clinical testing. Allele origin: germline.
Comment: The RBFOX1 c.1105C>T variant is predicted to result in the amino acid substitution p.Pro369Ser. To our knowledge, this variant has not been reported in the literature or in a large population database, indicating this variant is rare. At this time, the clinical significance of this variant is uncertain due to the absence of conclusive functional and genetic evidence.

NM_018723.4(RBFOX1):c.1042C>T (p.Pro348Ser)

Genes: RBFOX1 (RNA binding fox-1 homolog 1; plus strand), LOC126862279 (MED14-independent group 3 enhancer GRCh37_chr16:7758954-7760153; plus strand). Cytogenetic location: 16p13.3.
Variant type: single nucleotide variant.
Coding change: c.1042C>T on transcript NM_018723.4 (MANE Select); coding-DNA position 1042, C replaced by T.
Protein change: p.Pro348Ser; replaces proline 348 with serine.
Molecular consequence: missense variant. On other transcripts: synonymous variant (18).
Genome position (GRCh38, 1-based): chr16:7,709,102, C>T. VCF-style: chr16-7709102-C-T. GRCh37 (hg19) VCF-style: chr16-7759104-C-T.
Other names: c.961C>T, p.Pro321Ser (NM_001142333.2); c.1042C>T, p.Pro348Ser (NM_001142334.2); c.1171C>T, p.Pro391Ser (NM_001308117.1, NM_001415891.1); c.1095C>T, p.Leu365= (NM_001364800.2); c.1224C>T, p.Leu408= (NM_001411047.1, NM_001415895.1); c.1692C>T, p.Leu564= (NM_001415887.1); c.1558C>T, p.Pro520Ser (NM_001415888.1); c.1203C>T, p.Leu401= (NM_001415889.1, NM_001415898.1); and 23 more; short protein forms P317S, P321S, P326S, P333S, P342S, P346S, P348S, P350S.
Identifiers: ClinVar variation 3030635 (VCV003030635.2), dbSNP rs538050088, ClinGen allele CA394795571.